The following is an entry in ClinVar:

NM_002291.3(LAMB1):c.4349A>G (p.Asp1450Gly)

Gene: LAMB1 (laminin subunit beta 1; minus strand). Cytogenetic location: 7q31.1.
Variant type: single nucleotide variant.
Coding change: c.4349A>G on transcript NM_002291.3 (MANE Select); coding-DNA position 4349, A replaced by G.
Protein change: p.Asp1450Gly; replaces aspartic acid 1450 with glycine.
Molecular consequence: missense variant.
Genome position (GRCh38, 1-based): chr7:107,932,217, T>C on the plus strand (A>G on the coding strand, the complement: LAMB1 is on the minus strand). VCF-style: chr7-107932217-T-C. GRCh37 (hg19) VCF-style: chr7-107572662-T-C.
Other names: short protein forms D1450G.
Identifiers: ClinVar variation 1021519 (VCV001021519.8), dbSNP rs770872137, ClinGen allele CA164269154.

ClinVar aggregate classification (germline): Uncertain significance (1 of 4 stars; one submission).

Allele frequency attached by ClinVar (database versions not stated): TOPMed 0.00001; gnomAD exomes below 0.00001.
gnomAD v4.1: 1 of 1,614,246 alleles (0.000062%); highest among the groups gnomAD compares: Admixed American, 0.0017%; no homozygotes.

Submission:

Labcorp Genetics (formerly Invitae), Labcorp
Classification: Uncertain significance. Last evaluated: 2022-08-13. Review status: criteria provided, single submitter. Criteria: Invitae Variant Classification Sherloc (09022015). Collection method: clinical testing. Allele origin: germline.
Comment: In summary, the available evidence is currently insufficient to determine the role of this variant in disease. Therefore, it has been classified as a Variant of Uncertain Significance. Algorithms developed to predict the effect of sequence changes on RNA splicing suggest that this variant may disrupt the consensus splice site. Algorithms developed to predict the effect of missense changes on protein structure and function are either unavailable or do not agree on the potential impact of this missense change (SIFT: "Deleterious"; PolyPhen-2: "Benign"; Align-GVGD: "Class C65"). ClinVar contains an entry for this variant (Variation ID: 1021519). This variant has not been reported in the literature in individuals affected with LAMB1-related conditions. This variant is present in population databases (rs770872137, gnomAD 0.003%). This sequence change replaces aspartic acid, which is acidic and polar, with glycine, which is neutral and non-polar, at codon 1450 of the LAMB1 protein (p.Asp1450Gly).